The following is an entry in ClinVar:

NM_001077525.3(MTMR14):c.1635C>T (p.Pro545=)

Gene: MTMR14 (myotubularin related protein 14; plus strand). Cytogenetic location: 3p25.3.
Variant type: single nucleotide variant.
Coding change: c.1635C>T on transcript NM_001077525.3 (MANE Select); coding-DNA position 1635, C replaced by T.
Protein change: p.Pro545=; no amino-acid change (proline 545 retained).
Molecular consequence: synonymous variant. On other transcripts: non-coding transcript variant (8), intron variant (25).
Genome position (GRCh38, 1-based): chr3:9,697,732, C>T. VCF-style: chr3-9697732-C-T. GRCh37 (hg19) VCF-style: chr3-9739416-C-T.
Other names: c.1704C>T, p.Pro568= (NM_001400518.1); c.1632C>T, p.Pro544= (NM_001400519.1); c.1560C>T, p.Pro520= (NM_001400520.1); c.1389C>T, p.Pro463= (NM_001400524.1); c.1353C>T, p.Pro451= (NM_001400525.1); c.993C>T, p.Pro331= (NM_001400533.1, NM_001400534.1, NM_001400535.1); c.918C>T, p.Pro306= (NM_001400538.1); c.774C>T, p.Pro258= (NM_001400544.1); and 19 more.
Identifiers: ClinVar variation 4681727 (VCV004681727.5).

ClinVar aggregate classification (germline): Likely benign (1 of 4 stars; one submission).

gnomAD v4.1: 35 of 1,614,110 alleles (0.0022%); highest among the groups gnomAD compares: Admixed American, 0.032%; no homozygotes.

Submission:

CeGaT Center for Human Genetics Tuebingen
Classification: Likely benign. Last evaluated: 2025-12-01. Review status: criteria provided, single submitter. Criteria: CeGaT Center For Human Genetics Tuebingen Variant Classification Criteria Version 2. Collection method: clinical testing. Allele origin: germline. Affected: yes. Observed: 1 variant allele.
Comment: MTMR14: BP4